The following is an entry in ClinVar:

NM_005188.4(CBL):c.499G>T (p.Gly167Ter)

Gene: CBL (Cbl proto-oncogene; plus strand). Cytogenetic location: 11q23.3.
Variant type: single nucleotide variant.
Coding change: c.499G>T on transcript NM_005188.4 (MANE Select); coding-DNA position 499, G replaced by T.
Protein change: p.Gly167Ter; replaces glycine 167 with a stop codon.
Molecular consequence: nonsense.
Genome position (GRCh38, 1-based): chr11:119,271,790, G>T. VCF-style: chr11-119271790-G-T. GRCh37 (hg19) VCF-style: chr11-119142500-G-T.
Other names: short protein forms G167*.
Identifiers: ClinVar variation 4722200 (VCV004722200.1).
Genomic context (GRCh38, chr11:119,271,790, plus strand): 5'-TGTAGGCGAAACCTAACCAAACTGTCCCTCATCTTCAGCCACATGCTGGCAGAACTAAAA[G>T]GAATCTTTCCAAGTGGACTCTTTCAGGGAGACACATTTCGGATTACTAAAGCAGATGCTG-3'

ClinVar aggregate classification (germline): Uncertain significance (1 of 4 stars; one submission).

Conditions:
RASopathy. Also called: rasopathies; Noonan spectrum disorder. Identifiers: Orphanet 536391, MedGen C5555857, MONDO:0021060.

Submission:

Labcorp Genetics (formerly Invitae), Labcorp
Classification: Uncertain significance for RASopathy. Last evaluated: 2025-06-27. Review status: criteria provided, single submitter. Criteria: Invitae Variant Classification Sherloc (09022015). Collection method: clinical testing. Allele origin: germline.
Comment: This sequence change creates a premature translational stop signal (p.Gly167*) in the CBL gene. It is expected to result in an absent or disrupted protein product. However, the current clinical and genetic evidence is not sufficient to establish whether loss-of-function variants in CBL cause disease. This variant is not present in population databases (gnomAD no frequency). This variant has not been reported in the literature in individuals affected with CBL-related conditions. Experimental studies and prediction algorithms are not available or were not evaluated, and the functional significance of this variant is currently unknown. In summary, the available evidence is currently insufficient to determine the role of this variant in disease. Therefore, it has been classified as a Variant of Uncertain Significance.